The following is an entry in ClinVar:

ClinVar aggregate classification (germline): Uncertain significance (1 of 4 stars; one submission).

Submission:

Labcorp Genetics (formerly Invitae), Labcorp
Classification: Uncertain significance. Last evaluated: 2024-09-19. Review status: criteria provided, single submitter. Criteria: Invitae Variant Classification Sherloc (09022015). Collection method: clinical testing. Allele origin: germline.
Comment: This sequence change replaces serine, which is neutral and polar, with proline, which is neutral and non-polar, at codon 434 of the CEP78 protein (p.Ser434Pro). This variant is not present in population databases (gnomAD no frequency). This variant has not been reported in the literature in individuals affected with CEP78-related conditions. Invitae Evidence Modeling of protein sequence and biophysical properties (such as structural, functional, and spatial information, amino acid conservation, physicochemical variation, residue mobility, and thermodynamic stability) has been performed for this missense variant. However, the output from this modeling did not meet the statistical confidence thresholds required to predict the impact of this variant on CEP78 protein function. In summary, the available evidence is currently insufficient to determine the role of this variant in disease. Therefore, it has been classified as a Variant of Uncertain Significance.

NM_001330691.3(CEP78):c.1297T>C (p.Ser433Pro)

Gene: CEP78 (centrosomal protein 78; plus strand). Cytogenetic location: 9q21.2.
Variant type: single nucleotide variant.
Coding change: c.1297T>C on transcript NM_001330691.3 (MANE Select); coding-DNA position 1297, T replaced by C.
Protein change: p.Ser433Pro; replaces serine 433 with proline.
Molecular consequence: missense variant.
Genome position (GRCh38, 1-based): chr9:78,254,881, T>C. VCF-style: chr9-78254881-T-C. GRCh37 (hg19) VCF-style: chr9-80869797-T-C.
Other names: c.1300T>C, p.Ser434Pro (NM_001098802.3, NM_001349839.2, NM_001349840.2 and 1 more transcripts); c.1297T>C, p.Ser433Pro (NM_001330693.3, NM_001330694.2, NM_001349838.2); short protein forms S434P, S433P.
Identifiers: ClinVar variation 3704379 (VCV003704379.2).